The following is an entry in ClinVar:

NM_032409.3(PINK1):c.85_106del (p.Tyr29fs)

Gene: PINK1 (PTEN induced kinase 1; plus strand). Cytogenetic location: 1p36.12.
Variant type: Deletion.
Coding change: c.85_106del on transcript NM_032409.3 (MANE Select); coding-DNA positions 85 to 106, 22 bases deleted (TACGGCTTGGGGCGGCCGGGCC).
Protein change: p.Tyr29fs; shifts the reading frame from tyrosine 29.
Molecular consequence: frameshift variant.
Genome position (GRCh38, 1-based): chr1:20,633,633-20,633,654, TACGGCTTGGGGCGGCCGGGCC deleted; deleting any 22 consecutive bases within chr1:20,633,623-20,633,654 gives the same sequence; the c. name uses the placement nearest the transcript's 3' end. VCF-style (leftmost placement, unchanged base first): chr1-20633622-CCGGCCGGGCCTACGGCTTGGGG-C. GRCh37 (hg19) VCF-style: chr1-20960115-CCGGCCGGGCCTACGGCTTGGGG-C.
Other names: short protein forms Y29fs.
Identifiers: ClinVar variation 1454290 (VCV001454290.6), dbSNP rs1480758482, ClinGen allele CA730512524.

ClinVar aggregate classification (germline): Pathogenic (1 of 4 stars; one submission).

Conditions:
Autosomal recessive early-onset Parkinson disease 6 (PARK6). Also called: PINK1-Related Parkinson Disease; PARKINSON DISEASE 6, EARLY-ONSET; PINK1 Type of Young-Onset Parkinson Disease; PARKINSON DISEASE 6, MODIFIER OF. Identifiers: Orphanet 2828, MedGen C1853833, MONDO:0011613, OMIM 605909.

Submission:

Labcorp Genetics (formerly Invitae), Labcorp
Classification: Pathogenic for Autosomal recessive early-onset Parkinson disease 6. Last evaluated: 2025-06-15. Review status: criteria provided, single submitter. Criteria: Invitae Variant Classification Sherloc (09022015). Collection method: clinical testing. Allele origin: germline.
Comment: This sequence change creates a premature translational stop signal (p.Tyr29Argfs*71) in the PINK1 gene. It is expected to result in an absent or disrupted protein product. Loss-of-function variants in PINK1 are known to be pathogenic (PMID: 15087508, 15349870). This variant is not present in population databases (gnomAD no frequency). This premature translational stop signal has been observed in individual(s) with clinical features of Parkinson disease (PMID: 32713623). This variant is also known as c.85_106 22bpdel (p.Y29Rfs*70). ClinVar contains an entry for this variant (Variation ID: 1454290). For these reasons, this variant has been classified as Pathogenic.

Literature cited by the submitters: PubMed 15087508; PubMed 15349870; PubMed 32713623.